The following is an entry in ClinVar:

NM_001042492.3(NF1):c.5792T>C (p.Ile1931Thr)

Gene: NF1 (neurofibromin 1; plus strand). Cytogenetic location: 17q11.2.
Variant type: single nucleotide variant.
Coding change: c.5792T>C on transcript NM_001042492.3 (MANE Select); coding-DNA position 5792, T replaced by C.
Protein change: p.Ile1931Thr; replaces isoleucine 1931 with threonine.
Molecular consequence: missense variant.
Genome position (GRCh38, 1-based): chr17:31,330,478, T>C. VCF-style: chr17-31330478-T-C. GRCh37 (hg19) VCF-style: chr17-29657496-T-C.
Other names: c.5729T>C, p.Ile1910Thr (NM_000267.4); short protein forms I1910T, I1931T.
Identifiers: ClinVar variation 4014058 (VCV004014058.2).

ClinVar aggregate classification (germline): Uncertain significance (1 of 4 stars; one submission).

Conditions:
Hereditary cancer-predisposing syndrome. Also called: Neoplastic Syndromes, Hereditary; Tumor predisposition; Hereditary Cancer Syndrome; Hereditary neoplastic syndrome. Identifiers: Orphanet 140162, MedGen C0027672, MeSH D009386, MONDO:0015356.
Cardiovascular phenotype. Identifiers: MedGen CN230736.

Submission:

Ambry Genetics
Classification: Uncertain significance for Cardiovascular phenotype; Hereditary cancer-predisposing syndrome. Last evaluated: 2026-05-04. Review status: criteria provided, single submitter. Criteria: Ambry Variant Classification Scheme 2023. Collection method: clinical testing. Allele origin: germline.
Comment: The p.I1910T variant (also known as c.5729T>C), located in coding exon 38 of the NF1 gene, results from a T to C substitution at nucleotide position 5729. The isoleucine at codon 1910 is replaced by threonine, an amino acid with similar properties. This amino acid position is conserved. In addition, this alteration is predicted to be deleterious by in silico analysis. Based on the available evidence, the clinical significance of this variant remains unclear.